The following is an entry in ClinVar:

NM_001330700.2(TOP2B):c.4262A>G (p.Tyr1421Cys)

Gene: TOP2B (DNA topoisomerase II beta; minus strand). Cytogenetic location: 3p24.2.
Variant type: single nucleotide variant.
Coding change: c.4262A>G on transcript NM_001330700.2 (MANE Select); coding-DNA position 4262, A replaced by G.
Protein change: p.Tyr1421Cys; replaces tyrosine 1421 with cysteine.
Molecular consequence: missense variant.
Genome position (GRCh38, 1-based): chr3:25,607,207, T>C on the plus strand (A>G on the coding strand, the complement: TOP2B is on the minus strand). VCF-style: chr3-25607207-T-C. GRCh37 (hg19) VCF-style: chr3-25648698-T-C.
Other names: c.4247A>G, p.Tyr1416Cys (NM_001068.3); c.4262A>G (NM_001330700.1); short protein forms Y1416C, Y1421C.
Identifiers: ClinVar variation 1656275 (VCV001656275.10), dbSNP rs202024012, ClinGen allele CA2288135.

ClinVar aggregate classification (germline): Conflicting classifications of pathogenicity. Review status: criteria provided, conflicting classifications (1 of 4 stars). 3 submissions from 3 submitters: Uncertain significance (1); Likely benign (2). Last evaluated 2026-05-10.

Conditions:
TOP2B-related disorder. Also called: TOP2B-related condition.

Allele frequency attached by ClinVar (database versions not stated): gnomAD exomes 0.00004 and 0.00013; ExAC 0.00015; 1000 Genomes Project 30x 0.00016; 1000 Genomes Project 0.00020; gnomAD 0.00039 and 0.00042; TOPMed 0.00053; ESP Exome Variant Server 0.00075.
gnomAD v4.1: 116 of 1,612,562 alleles (0.0072%); highest among the groups gnomAD compares: African/African-American, 0.13%; 1 homozygote.

Submissions (3):

PreventionGenetics, part of Exact Sciences
Classification: Uncertain significance for TOP2B-related condition. Last evaluated: 2026-05-10. Review status: criteria provided, single submitter. Criteria: ACMG Guidelines, 2015. Collection method: clinical testing. Allele origin: germline.
Comment: The TOP2B c.4262A>G variant is predicted to result in the amino acid substitution p.Tyr1421Cys. To our knowledge, this variant has not been reported in the literature. This variant is reported in 0.16% of alleles in individuals of African descent in gnomAD, including one homozygous individual, which may be too common to be causative. Although we suspect that this variant may be benign, at this time, the clinical significance of this variant is uncertain due to the absence of conclusive functional and genetic evidence.

Labcorp Genetics (formerly Invitae), Labcorp
Classification: Likely benign. Last evaluated: 2025-10-09. Review status: criteria provided, single submitter. Criteria: Invitae Variant Classification Sherloc (09022015). Collection method: clinical testing. Allele origin: germline.

Blueprint Genetics
Classification: Likely benign. Last evaluated: 2024-07-04. Review status: criteria provided, single submitter. Criteria: ACMG Guidelines, 2015. Collection method: clinical testing. Allele origin: germline.